The following is an entry in ClinVar:

NM_004836.7(EIF2AK3):c.1307-4T>G

Gene: EIF2AK3 (eukaryotic translation initiation factor 2 alpha kinase 3; minus strand). Cytogenetic location: 2p11.2.
Variant type: single nucleotide variant.
Coding change: c.1307-4T>G on transcript NM_004836.7 (MANE Select); 4 bases into the intron before coding-DNA position 1307, T replaced by G.
Molecular consequence: intron variant.
Genome position (GRCh38, 1-based): chr2:88,588,108, A>C on the plus strand (T>G on the coding strand, the complement: EIF2AK3 is on the minus strand). VCF-style: chr2-88588108-A-C. GRCh37 (hg19) VCF-style: chr2-88887626-A-C.
Other names: c.854-4T>G (NM_001313915.2).
Identifiers: ClinVar variation 337415 (VCV000337415.35), dbSNP rs548802949, ClinGen allele CA1754718.

ClinVar aggregate classification (germline): Benign/Likely benign. Review status: criteria provided, multiple submitters, no conflicts (2 of 4 stars). 3 submissions from 3 submitters: Benign (1); Likely benign (2). Last evaluated 2026-01-26.

Conditions:
Wolcott-Rallison dysplasia. Also called: MED-IDDM SYNDROME; Wolcott-Rallison syndrome. Identifiers: Orphanet 1667, MedGen C0432217, MONDO:0009192, OMIM 226980.

Allele frequency attached by ClinVar (database versions not stated): gnomAD 0.00001 and 0.00009; TOPMed 0.00003; 1000 Genomes Project 30x 0.00031; 1000 Genomes Project 0.00040; gnomAD exomes 0.00051; ExAC 0.00064.
gnomAD v4.1: 290 of 1,460,870 alleles (0.02%); highest among the groups gnomAD compares: South Asian, 0.34%; 1 homozygote.

Submissions (3):

Labcorp Genetics (formerly Invitae), Labcorp
Classification: Benign. Last evaluated: 2026-01-26. Review status: criteria provided, single submitter. Criteria: Invitae Variant Classification Sherloc (09022015). Collection method: clinical testing. Allele origin: germline.

CeGaT Center for Human Genetics Tuebingen
Classification: Likely benign. Last evaluated: 2024-02-01. Review status: criteria provided, single submitter. Criteria: CeGaT Center For Human Genetics Tuebingen Variant Classification Criteria Version 2. Collection method: clinical testing. Allele origin: germline. Affected: yes. Observed: 1 variant allele.
Comment: EIF2AK3: BP4

Illumina Laboratory Services, Illumina
Classification: Likely benign for Wolcott-Rallison dysplasia. Last evaluated: 2018-01-12. Review status: criteria provided, single submitter. Criteria: ICSL Variant Classification Criteria 13 December 2019. Collection method: clinical testing. Allele origin: germline.
Comment: This variant was observed in the ICSL laboratory as part of a predisposition screen in an ostensibly healthy population. It had not been previously curated by ICSL or reported in the Human Gene Mutation Database (HGMD: prior to June 1st, 2018), and was therefore a candidate for classification through an automated scoring system. Utilizing variant allele frequency, disease prevalence and penetrance estimates, and inheritance mode, an automated score was calculated to assess if this variant is too frequent to cause the disease. Based on the score and internal cut-off values, a variant classified as likely benign is not then subjected to further curation. The score for this variant resulted in a classification of likely benign for this disease.